The following is an entry in ClinVar:

ClinVar aggregate classification (germline): Likely pathogenic (1 of 4 stars; one submission).

Conditions:
Megalencephalic leukoencephalopathy with subcortical cysts. Also called: VAN DER KNAAP DISEASE. Identifiers: Orphanet 2478, MedGen C1858854, MONDO:0011391.

Submission:

Natera, Inc.
Classification: Likely pathogenic for Megalencephalic leukoencephalopathy with subcortical cysts. Last evaluated: 2025-10-13. Review status: criteria provided, single submitter. Criteria: Natera Variant Classification Schema (03/2026). Collection method: clinical testing. Allele origin: germline.
Comment: The c.734_735delinsG variant in MLC1 is a frameshift variant predicted to shift the reading frame beginning at codon 245 and leads to a stop codon 17 codons downstream. This variant is expected to result in nonsense mediated decay, truncation, or a dysfunctional protein product. This variant is rare in the general population with a frequency below the threshold expected for the associated phenotype(s). Given the available evidence, this variant is classified as Likely Pathogenic.

NM_015166.4(MLC1):c.734_735delinsG (p.Ala245fs)

Gene: MLC1 (modulator of VRAC current 1; minus strand). Cytogenetic location: 22q13.33.
Variant type: Indel.
Coding change: c.734_735delinsG on transcript NM_015166.4 (MANE Select); coding-DNA positions 734 to 735, CC replaced by G.
Protein change: p.Ala245fs; shifts the reading frame from alanine 245.
Molecular consequence: frameshift variant. On other transcripts: non-coding transcript variant (3), intron variant (1).
Genome position (GRCh38, 1-based): chr22:50,070,563-50,070,564, GG replaced by C on the plus strand (CC replaced by G on the coding strand, the reverse complement: MLC1 is on the minus strand). VCF-style: chr22-50070563-GG-C. GRCh37 (hg19) VCF-style: chr22-50508992-GG-C.
Other names: c.734_735delinsG, p.Ala245fs (NM_001376472.1, NM_001376473.1, NM_001376474.1 and 5 more transcripts); c.644_645delinsG, p.Ala215fs (NM_001376480.1); c.632_633delinsG, p.Ala211fs (NM_001376481.1); c.578_579delinsG, p.Ala193fs (NM_001376482.1, NM_001376483.1); c.497_498delinsG, p.Ala166fs (NM_001376484.1); c.715-2009_715-2008delinsG (NM_001376479.1); short protein forms A166fs, A193fs, A211fs, A215fs, A245fs.
Identifiers: ClinVar variation 4815818 (VCV004815818.1).